The following is an entry in ClinVar:

ClinVar aggregate classification (germline): Likely benign. Review status: criteria provided, multiple submitters, no conflicts (2 of 4 stars). 4 submissions from 4 submitters: Likely benign (4). Last evaluated 2025-12-24.

Conditions:
Nail-patella syndrome (NPS). Also called: FONG DISEASE; TURNER-KIESER SYNDROME; ONYCHOOSTEODYSPLASIA. Identifiers: Orphanet 2614, MedGen C0027341, MONDO:0008061, OMIM 161200.

Allele frequency attached by ClinVar (database versions not stated): gnomAD 0.00016; TOPMed 0.00027; ExAC 0.00030; gnomAD exomes 0.00031; ESP Exome Variant Server 0.00038.
gnomAD v4.1: 446 of 1,614,008 alleles (0.028%); highest among the groups gnomAD compares: Admixed American, 0.057%; no homozygotes.

Submissions (4):

Labcorp Genetics (formerly Invitae), Labcorp
Classification: Likely benign. Last evaluated: 2025-12-24. Review status: criteria provided, single submitter. Criteria: Invitae Variant Classification Sherloc (09022015). Collection method: clinical testing. Allele origin: germline.

Blueprint Genetics
Classification: Likely benign. Last evaluated: 2024-10-23. Review status: criteria provided, single submitter. Criteria: ACMG Guidelines, 2015. Collection method: clinical testing. Allele origin: germline.

Illumina Laboratory Services, Illumina
Classification: Likely benign for Nail-patella syndrome. Last evaluated: 2018-01-13. Review status: criteria provided, single submitter. Criteria: ICSL Variant Classification Criteria 13 December 2019. Collection method: clinical testing. Allele origin: germline.
Comment: This variant was observed in the ICSL laboratory as part of a predisposition screen in an ostensibly healthy population. It had not been previously curated by ICSL or reported in the Human Gene Mutation Database (HGMD: prior to June 1st, 2018), and was therefore a candidate for classification through an automated scoring system. Utilizing variant allele frequency, disease prevalence and penetrance estimates, and inheritance mode, an automated score was calculated to assess if this variant is too frequent to cause the disease. Based on the score and internal cut-off values, a variant classified as likely benign is not then subjected to further curation. The score for this variant resulted in a classification of likely benign for this disease.

Breakthrough Genomics
Classification: Likely benign. Review status: criteria provided, single submitter. Criteria: ACMG Guidelines, 2015. Collection method: not provided. Allele origin: germline. Inheritance: Autosomal dominant inheritance. Affected: yes.

NM_001174147.2(LMX1B):c.1152C>T (p.Arg384=)

Gene: LMX1B (LIM homeobox transcription factor 1 beta; plus strand). Cytogenetic location: 9q33.3.
Variant type: single nucleotide variant.
Coding change: c.1152C>T on transcript NM_001174147.2 (MANE Select); coding-DNA position 1152, C replaced by T.
Protein change: p.Arg384=; no amino-acid change (arginine 384 retained).
Molecular consequence: synonymous variant.
Genome position (GRCh38, 1-based): chr9:126,696,394, C>T. VCF-style: chr9-126696394-C-T. GRCh37 (hg19) VCF-style: chr9-129458673-C-T.
Other names: c.1164C>T, p.Arg388= (NM_001174146.2); c.1131C>T, p.Arg377= (NM_002316.4).
Identifiers: ClinVar variation 364889 (VCV000364889.16), dbSNP rs146476348, ClinGen allele CA5242573.